The following is an entry in ClinVar:

ClinVar aggregate classification (germline): Uncertain significance (1 of 4 stars; one submission).

Conditions:
Inborn genetic diseases. Identifiers: MedGen C0950123, MeSH D030342.

Submission:

Ambry Genetics
Classification: Uncertain significance for Inborn genetic diseases. Last evaluated: 2025-03-06. Review status: criteria provided, single submitter. Criteria: Ambry Variant Classification Scheme 2023. Collection method: clinical testing. Allele origin: germline.
Comment: The c.2609C>T (p.A870V) alteration is located in exon 18 (coding exon 17) of the PRPF8 gene. This alteration results from a C to T substitution at nucleotide position 2609, causing the alanine (A) at amino acid position 870 to be replaced by a valine (V). This variant was not reported in population-based cohorts in the Genome Aggregation Database (gnomAD). This amino acid position is highly conserved in available vertebrate species. This alteration is predicted to be deleterious by in silico analysis. Based on insufficient or conflicting evidence, the clinical significance of this alteration remains unclear.

NM_006445.4(PRPF8):c.2609C>T (p.Ala870Val)

Gene: PRPF8 (pre-mRNA processing factor 8; minus strand). Cytogenetic location: 17p13.3.
Variant type: single nucleotide variant.
Coding change: c.2609C>T on transcript NM_006445.4 (MANE Select); coding-DNA position 2609, C replaced by T.
Protein change: p.Ala870Val; replaces alanine 870 with valine.
Molecular consequence: missense variant.
Genome position (GRCh38, 1-based): chr17:1,675,998, G>A on the plus strand (C>T on the coding strand, the complement: PRPF8 is on the minus strand). VCF-style: chr17-1675998-G-A. GRCh37 (hg19) VCF-style: chr17-1579292-G-A.
Other names: short protein forms A870V.
Identifiers: ClinVar variation 3425806 (VCV003425806.2).